The following is an entry in ClinVar:

ClinVar aggregate classification (germline): Benign/Likely benign. Review status: criteria provided, multiple submitters, no conflicts (2 of 4 stars). 3 submissions from 3 submitters: Benign (1); Likely benign (2). Last evaluated 2026-06-17.

Conditions:
Hereditary cancer-predisposing syndrome. Also called: Neoplastic Syndromes, Hereditary; Hereditary Cancer Syndrome; Hereditary neoplastic syndrome; Tumor predisposition. Identifiers: Orphanet 140162, MedGen C0027672, MeSH D009386, MONDO:0015356.
Gastrointestinal stromal tumor. Also called: Gastrointestinal stromal tumor, somatic; Gastrointestinal stroma tumor. Identifiers: Orphanet 44890, MedGen C0238198, MeSH D046152, MONDO:0011719, OMIM 606764, HP:0100723.
Polyps, multiple and recurrent inflammatory fibroid, gastrointestinal. Identifiers: MedGen C5193005, MONDO:0008285, OMIM 175510.

Allele frequency attached by ClinVar (database versions not stated): gnomAD exomes below 0.00001 and 0.00002; ExAC 0.00001.
gnomAD v4.1: 5 of 1,560,540 alleles (0.00032%); highest among the groups gnomAD compares: East Asian, 0.011%; no homozygotes.

Submissions (3):

Myriad Genetics, Inc.
Classification: Benign for Polyps, multiple and recurrent inflammatory fibroid, gastrointestinal. Last evaluated: 2026-06-17. Review status: criteria provided, single submitter. Criteria: Myriad Autosomal Dominant, Autosomal Recessive and X-Linked Classification Criteria (2023). Collection method: clinical testing. Allele origin: unknown.
Comment: This variant is considered benign. This variant is a silent/synonymous amino acid change and it is not expected to impact splicing.

Labcorp Genetics (formerly Invitae), Labcorp
Classification: Likely benign for Gastrointestinal stromal tumor. Last evaluated: 2025-04-15. Review status: criteria provided, single submitter. Criteria: Invitae Variant Classification Sherloc (09022015). Collection method: clinical testing. Allele origin: germline.

Ambry Genetics
Classification: Likely benign for Hereditary cancer-predisposing syndrome. Last evaluated: 2023-04-03. Review status: criteria provided, single submitter. Criteria: Ambry Variant Classification Scheme 2023. Collection method: clinical testing. Allele origin: germline.

NM_006206.6(PDGFRA):c.2361A>G (p.Ser787=)

Gene: PDGFRA (platelet derived growth factor receptor alpha; plus strand). Cytogenetic location: 4q12.
Variant type: single nucleotide variant.
Coding change: c.2361A>G on transcript NM_006206.6 (MANE Select); coding-DNA position 2361, A replaced by G.
Protein change: p.Ser787=; no amino-acid change (serine 787 retained).
Molecular consequence: synonymous variant.
Genome position (GRCh38, 1-based): chr4:54,285,408, A>G. VCF-style: chr4-54285408-A-G. GRCh37 (hg19) VCF-style: chr4-55151575-A-G.
Other names: c.2436A>G, p.Ser812= (NM_001347828.2); c.2361A>G, p.Ser787= (NM_001347829.2); c.2400A>G, p.Ser800= (NM_001347830.2).
Identifiers: ClinVar variation 701574 (VCV000701574.13), dbSNP rs768572878, ClinGen allele CA2922843.